The following is an entry in ClinVar:

NM_022051.3(EGLN1):c.514G>A (p.Ala172Thr)

Gene: EGLN1 (egl-9 family hypoxia inducible factor 1; minus strand). Cytogenetic location: 1q42.2.
Variant type: single nucleotide variant.
Coding change: c.514G>A on transcript NM_022051.3 (MANE Select); coding-DNA position 514, G replaced by A.
Protein change: p.Ala172Thr; replaces alanine 172 with threonine.
Molecular consequence: missense variant.
Genome position (GRCh38, 1-based): chr1:231,421,375, C>T on the plus strand (G>A on the coding strand, the complement: EGLN1 is on the minus strand). VCF-style: chr1-231421375-C-T. GRCh37 (hg19) VCF-style: chr1-231557121-C-T.
Other names: c.514G>A, p.Ala172Thr (NM_001377260.1, NM_001377261.1); short protein forms A172T.
Identifiers: ClinVar variation 3507210 (VCV003507210.1).

ClinVar aggregate classification (germline): Uncertain significance (1 of 4 stars; one submission).

gnomAD v4.1: 2 of 1,608,304 alleles (0.00012%); no homozygotes.

Submission:

Ambry Genetics
Classification: Uncertain significance. Last evaluated: 2024-07-11. Review status: criteria provided, single submitter. Criteria: Ambry Variant Classification Scheme 2023. Collection method: clinical testing. Allele origin: germline.
Comment: The p.A172T variant (also known as c.514G>A), located in coding exon 1 of the EGLN1 gene, results from a G to A substitution at nucleotide position 514. The alanine at codon 172 is replaced by threonine, an amino acid with similar properties. This amino acid position is conserved. In addition, this alteration is predicted to be tolerated by in silico analysis. Based on the available evidence, the clinical significance of this variant remains unclear.